The following is an entry in ClinVar:

NM_000038.6(APC):c.370G>A (p.Val124Ile)

Gene: APC (APC regulator of Wnt signaling pathway; plus strand). Cytogenetic location: 5q22.2.
Variant type: single nucleotide variant.
Coding change: c.370G>A on transcript NM_000038.6 (MANE Select); coding-DNA position 370, G replaced by A.
Protein change: p.Val124Ile; replaces valine 124 with isoleucine.
Molecular consequence: missense variant. On other transcripts: 5 prime UTR variant (1).
Genome position (GRCh38, 1-based): chr5:112,767,338, G>A. VCF-style: chr5-112767338-G-A. GRCh37 (hg19) VCF-style: chr5-112103035-G-A.
Other names: c.370G>A, p.Val124Ile (NM_001127510.3, NM_001354895.2, NM_001354896.2 and 2 more transcripts); c.400G>A, p.Val134Ile (NM_001127511.3, NM_001354897.2, NM_001354902.2); c.295G>A, p.Val99Ile (NM_001354898.2, NM_001354904.2); c.193G>A, p.Val65Ile (NM_001354900.2, NM_001354901.2, NM_001354905.2); c.-666G>A (NM_001354906.2); short protein forms V134I, V124I, V99I, V65I.
Identifiers: ClinVar variation 411467 (VCV000411467.9), dbSNP rs779945112, ClinGen allele CA16022128.

ClinVar aggregate classification (germline): Conflicting classifications of pathogenicity. Review status: criteria provided, conflicting classifications (1 of 4 stars). 2 submissions from 2 submitters: Uncertain significance (1); Benign (1). Last evaluated 2022-05-04.

Conditions:
Familial adenomatous polyposis 1 (FAP1). Also called: FAMILIAL ADENOMATOUS POLYPOSIS 1, ATTENUATED; POLYPOSIS, ADENOMATOUS INTESTINAL. Identifiers: MedGen C2713442, MONDO:0021056, OMIM 175100. Disease mechanism: loss of function.

gnomAD v4.1: 1 of 1,614,160 alleles (0.000062%); highest among the groups gnomAD compares: Non-Finnish European, 0.000085%; no homozygotes.

Submissions (2):

Mendelics
Classification: Benign. Last evaluated: 2022-05-04. Review status: criteria provided, single submitter. Criteria: Mendelics Assertion Criteria 2019. Collection method: clinical testing. Allele origin: germline.

Labcorp Genetics (formerly Invitae), Labcorp
Classification: Uncertain significance for Familial adenomatous polyposis 1. Last evaluated: 2021-11-18. Review status: criteria provided, single submitter. Criteria: Invitae Variant Classification Sherloc (09022015). Collection method: clinical testing. Allele origin: germline.
Comment: Algorithms developed to predict the effect of missense changes on protein structure and function (SIFT, PolyPhen-2, Align-GVGD) all suggest that this variant is likely to be tolerated. In summary, the available evidence is currently insufficient to determine the role of this variant in disease. Therefore, it has been classified as a Variant of Uncertain Significance. ClinVar contains an entry for this variant (Variation ID: 411467). This variant has not been reported in the literature in individuals affected with APC-related conditions. This variant is not present in population databases (gnomAD no frequency). This sequence change replaces valine, which is neutral and non-polar, with isoleucine, which is neutral and non-polar, at codon 124 of the APC protein (p.Val124Ile).